The following is an entry in ClinVar:

ClinVar aggregate classification (germline): Uncertain significance (1 of 4 stars; one submission).

Allele frequency attached by ClinVar (database versions not stated): gnomAD exomes 0.00001; TOPMed 0.00001; ExAC 0.00002; ESP Exome Variant Server 0.00008.
gnomAD v4.1: 16 of 1,613,484 alleles (0.00099%); highest among the groups gnomAD compares: Non-Finnish European, 0.0013%; no homozygotes.

Submission:

Labcorp Genetics (formerly Invitae), Labcorp
Classification: Uncertain significance. Last evaluated: 2024-11-18. Review status: criteria provided, single submitter. Criteria: Invitae Variant Classification Sherloc (09022015). Collection method: clinical testing. Allele origin: germline.
Comment: This sequence change falls in intron 6 of the JAK1 gene. It does not directly change the encoded amino acid sequence of the JAK1 protein. It affects a nucleotide within the consensus splice site. This variant is present in population databases (rs371450360, gnomAD 0.007%). This variant has not been reported in the literature in individuals affected with JAK1-related conditions. ClinVar contains an entry for this variant (Variation ID: 1919423). Variants that disrupt the consensus splice site are a relatively common cause of aberrant splicing (PMID: 17576681, 9536098). Algorithms developed to predict the effect of sequence changes on RNA splicing suggest that this variant is not likely to affect RNA splicing. In summary, the available evidence is currently insufficient to determine the role of this variant in disease. Therefore, it has been classified as a Variant of Uncertain Significance.

Literature cited by the submitters: PubMed 17576681; PubMed 9536098.

NM_002227.4(JAK1):c.647+3A>G

Gene: JAK1 (Janus kinase 1; minus strand). Cytogenetic location: 1p31.3.
Variant type: single nucleotide variant.
Coding change: c.647+3A>G on transcript NM_002227.4 (MANE Select); 3 bases into the intron after coding-DNA position 647, A replaced by G.
Molecular consequence: intron variant.
Genome position (GRCh38, 1-based): chr1:64,869,308, T>C on the plus strand (A>G on the coding strand, the complement: JAK1 is on the minus strand). VCF-style: chr1-64869308-T-C. GRCh37 (hg19) VCF-style: chr1-65334991-T-C.
Other names: c.647+3A>G (NM_001321852.2, NM_001321854.2, NM_001321853.2 and 4 more transcripts).
Identifiers: ClinVar variation 1919423 (VCV001919423.5), dbSNP rs371450360, ClinGen allele CA893126.